The following is an entry in ClinVar:

NM_001035.3(RYR2):c.14749A>G (p.Asn4917Asp)

Gene: RYR2 (ryanodine receptor 2; plus strand). Cytogenetic location: 1q43.
Variant type: single nucleotide variant.
Coding change: c.14749A>G on transcript NM_001035.3 (MANE Select); coding-DNA position 14749, A replaced by G.
Protein change: p.Asn4917Asp; replaces asparagine 4917 with aspartic acid.
Molecular consequence: missense variant.
Genome position (GRCh38, 1-based): chr1:237,830,623, A>G. VCF-style: chr1-237830623-A-G. GRCh37 (hg19) VCF-style: chr1-237993923-A-G.
Other names: short protein forms N4917D.
Identifiers: ClinVar variation 4800133 (VCV004800133.1).
Genomic context (GRCh38, chr1:237,830,623, plus strand): 5'-TACTTCGACACAGTGCCACATGGCTTTGAAACCCACACTTTACAGGAGCACAACTTGGCT[A>G]ATTACTTGTGAGTGTGCCCGTTTCAGAATCTTCCACCTCTCCAGTAGACGCCACTGGTCC-3'
Protein context (NP_001026.2, residues 4907-4927): THTLQEHNLA[Asn4917Asp]YLFFLMYLIN

ClinVar aggregate classification (germline): Uncertain significance (1 of 4 stars; one submission).

Conditions:
Catecholaminergic polymorphic ventricular tachycardia 1. Also called: VENTRICULAR TACHYCARDIA, STRESS-INDUCED POLYMORPHIC 1; RYR2-Related Catecholaminergic Polymorphic Ventricular Tachycardia; VENTRICULAR TACHYCARDIA, CATECHOLAMINERGIC POLYMORPHIC, 1, WITH OR WITHOUT ATRIAL DYSFUNCTION AND/OR DILATED CARDIOMYOPATHY. Identifiers: Orphanet 3286, MedGen C1631597, MONDO:0011484, OMIM 604772.

Submission:

Labcorp Genetics (formerly Invitae), Labcorp
Classification: Uncertain significance for Catecholaminergic polymorphic ventricular tachycardia 1. Last evaluated: 2025-12-01. Review status: criteria provided, single submitter. Criteria: Invitae Variant Classification Sherloc (09022015). Collection method: clinical testing. Allele origin: germline.
Comment: This sequence change replaces asparagine, which is neutral and polar, with aspartic acid, which is acidic and polar, at codon 4917 of the RYR2 protein (p.Asn4917Asp). This variant is not present in population databases (gnomAD no frequency). This variant has not been reported in the literature in individuals affected with RYR2-related conditions. Invitae Evidence Modeling of protein sequence and biophysical properties (such as structural, functional, and spatial information, amino acid conservation, physicochemical variation, residue mobility, and thermodynamic stability) indicates that this missense variant is expected to disrupt RYR2 protein function with a positive predictive value of 95%. In summary, the available evidence is currently insufficient to determine the role of this variant in disease. Therefore, it has been classified as a Variant of Uncertain Significance.